The following is an entry in ClinVar:

NM_000548.5(TSC2):c.2192A>G (p.Asp731Gly)

Gene: TSC2 (TSC complex subunit 2; plus strand). Cytogenetic location: 16p13.3.
Variant type: single nucleotide variant.
Coding change: c.2192A>G on transcript NM_000548.5 (MANE Select); coding-DNA position 2192, A replaced by G.
Protein change: p.Asp731Gly; replaces aspartic acid 731 with glycine.
Molecular consequence: missense variant. On other transcripts: non-coding transcript variant (5).
Genome position (GRCh38, 1-based): chr16:2,072,335, A>G. VCF-style: chr16-2072335-A-G. GRCh37 (hg19) VCF-style: chr16-2122336-A-G.
Other names: c.2081A>G, p.Asp694Gly (NM_001406678.1, NM_001318827.2, NM_001406670.1); c.2045A>G, p.Asp682Gly (NM_001406679.1, NM_001318829.2, NM_001406675.1 and 1 more transcripts); c.1592A>G, p.Asp531Gly (NM_001406680.1, NM_001406682.1, NM_001406683.1 and 6 more transcripts); c.1730A>G, p.Asp577Gly (NM_001406681.1); c.2192A>G, p.Asp731Gly (NM_001077183.3, NM_001114382.3, NM_001363528.2 and 6 more transcripts); c.2225A>G, p.Asp742Gly (NM_001318832.2); c.2282A>G, p.Asp761Gly (NM_001406667.1, NM_001406668.1); c.2180A>G, p.Asp727Gly (NM_001406671.1, NM_001406673.1); and 3 more; short protein forms D197G, D531G, D727G, D283G, D731G, D682G, D712G, D742G.
Identifiers: ClinVar variation 3462549 (VCV003462549.2).

ClinVar aggregate classification (germline): Uncertain significance. Review status: criteria provided, multiple submitters, no conflicts (2 of 4 stars). 2 submissions from 2 submitters: Uncertain significance (2). Last evaluated 2025-05-13.

Conditions:
Tuberous sclerosis 2 (TSC2). Identifiers: Orphanet 805, MedGen C1860707, MONDO:0013199, OMIM 613254.
Hereditary cancer-predisposing syndrome. Also called: Hereditary Cancer Syndrome; Hereditary neoplastic syndrome; Neoplastic Syndromes, Hereditary; Tumor predisposition. Identifiers: Orphanet 140162, MedGen C0027672, MeSH D009386, MONDO:0015356.

Submissions (2):

Labcorp Genetics (formerly Invitae), Labcorp
Classification: Uncertain significance for Tuberous sclerosis 2. Last evaluated: 2025-05-13. Review status: criteria provided, single submitter. Criteria: Invitae Variant Classification Sherloc (09022015). Collection method: clinical testing. Allele origin: germline.
Comment: This sequence change replaces aspartic acid, which is acidic and polar, with glycine, which is neutral and non-polar, at codon 731 of the TSC2 protein (p.Asp731Gly). This variant is not present in population databases (gnomAD no frequency). This variant has not been reported in the literature in individuals affected with TSC2-related conditions. ClinVar contains an entry for this variant (Variation ID: 3462549). Invitae Evidence Modeling of protein sequence and biophysical properties (such as structural, functional, and spatial information, amino acid conservation, physicochemical variation, residue mobility, and thermodynamic stability) indicates that this missense variant is not expected to disrupt TSC2 protein function with a negative predictive value of 95%. Algorithms developed to predict the effect of sequence changes on RNA splicing suggest that this variant may disrupt the consensus splice site. In summary, the available evidence is currently insufficient to determine the role of this variant in disease. Therefore, it has been classified as a Variant of Uncertain Significance.

Ambry Genetics
Classification: Uncertain significance for Hereditary cancer-predisposing syndrome. Last evaluated: 2024-11-17. Review status: criteria provided, single submitter. Criteria: Ambry Variant Classification Scheme 2023. Collection method: clinical testing. Allele origin: germline.
Comment: The p.D731G variant (also known as c.2192A>G), located in coding exon 19 of the TSC2 gene, results from an A to G substitution at nucleotide position 2192. The aspartic acid at codon 731 is replaced by glycine, an amino acid with similar properties. This amino acid position is conserved. In addition, this alteration is predicted to be deleterious by in silico analysis. Based on the available evidence, the clinical significance of this variant remains unclear.